The following is an entry in ClinVar:

NM_000313.4(PROS1):c.607G>T (p.Asp203Tyr)

Gene: PROS1 (protein S; minus strand). Cytogenetic location: 3q11.1.
Variant type: single nucleotide variant.
Coding change: c.607G>T on transcript NM_000313.4 (MANE Select); coding-DNA position 607, G replaced by T.
Protein change: p.Asp203Tyr; replaces aspartic acid 203 with tyrosine.
Molecular consequence: missense variant.
Genome position (GRCh38, 1-based): chr3:93,900,924, C>A on the plus strand (G>T on the coding strand, the complement: PROS1 is on the minus strand). VCF-style: chr3-93900924-C-A. GRCh37 (hg19) VCF-style: chr3-93619768-C-A.
Other names: c.703G>T, p.Asp235Tyr (NM_001314077.2); short protein forms D203Y, D235Y.
Identifiers: ClinVar variation 2762121 (VCV002762121.3), dbSNP rs2472135886, ClinGen allele CA353673336.
Genomic context (GRCh38, chr3:93,900,924, plus strand): 5'-CTCCTGGGATGTTCTTGCACACAGCTGTGCCACAAATGCTTGGCTTCAAAGAGCATTCAT[C>A]CACATCTATAAATAAAATCACTATATTAAAAAACATTTTTCCCATACCAGCAGACACTAC-3'
Protein context (NP_000304.2, residues 193-213): LSNKKDCKDV[Asp203Tyr]ECSLKPSICG

ClinVar aggregate classification (germline): Uncertain significance (1 of 4 stars; one submission).

Conditions:
Thrombophilia due to protein S deficiency, autosomal recessive (THPH6). Identifiers: Orphanet 743, MedGen C3281092, MONDO:0013791, OMIM 614514. Disease mechanism: loss of function.

Submission:

Labcorp Genetics (formerly Invitae), Labcorp
Classification: Uncertain significance for Thrombophilia due to protein S deficiency, autosomal recessive. Last evaluated: 2023-09-20. Review status: criteria provided, single submitter. Criteria: Invitae Variant Classification Sherloc (09022015). Collection method: clinical testing. Allele origin: germline.
Comment: This variant is not present in population databases (gnomAD no frequency). This sequence change replaces aspartic acid, which is acidic and polar, with tyrosine, which is neutral and polar, at codon 203 of the PROS1 protein (p.Asp203Tyr). This variant has not been reported in the literature in individuals affected with PROS1-related conditions. Advanced modeling of protein sequence and biophysical properties (such as structural, functional, and spatial information, amino acid conservation, physicochemical variation, residue mobility, and thermodynamic stability) performed at Invitae indicates that this missense variant is not expected to disrupt PROS1 protein function. In summary, the available evidence is currently insufficient to determine the role of this variant in disease. Therefore, it has been classified as a Variant of Uncertain Significance.